The following is an entry in ClinVar:

ClinVar aggregate classification (germline): Benign. Review status: criteria provided, single submitter (1 of 4 stars). 2 submissions from 1 submitter: Benign (2). Last evaluated 2018-01-12.

Conditions:
Perry syndrome. Also called: PARKINSONISM WITH ALVEOLAR HYPOVENTILATION AND MENTAL DEPRESSION. Identifiers: Orphanet 178509, MedGen C1868594, MONDO:0008201, OMIM 168605.
Neuronopathy, distal hereditary motor, type 7B. Also called: HMN VIIB; LOWER MOTOR NEURON DISEASE, DYNACTIN TYPE; NEURONOPATHY, DISTAL HEREDITARY MOTOR, AUTOSOMAL DOMINANT 14; NEURONOPATHY, DISTAL HEREDITARY MOTOR, HARDING TYPE VIIB; NEUROPATHY, DISTAL HEREDITARY MOTOR, HARDING TYPE VIIB; NEUROPATHY, DISTAL HEREDITARY MOTOR, WITH VOCAL CORD PARALYSIS, HARDING TYPE VIIB. Identifiers: Orphanet 139589, MedGen C1843315, MONDO:0011879, OMIM 607641.

Allele frequency attached by ClinVar (database versions not stated): gnomAD 0.00001; TOPMed 0.00001; gnomAD exomes 0.00004 and 0.00014; ExAC 0.00015; 1000 Genomes Project 30x 0.00016; 1000 Genomes Project 0.00020.
gnomAD v4.1: 62 of 1,611,700 alleles (0.0038%); highest among the groups gnomAD compares: South Asian, 0.046%; 1 homozygote.

Submissions (2):

Illumina Laboratory Services, Illumina
Classification: Benign for Perry syndrome. Last evaluated: 2018-01-12. Review status: criteria provided, single submitter. Criteria: ICSL Variant Classification Criteria 13 December 2019. Collection method: clinical testing. Allele origin: germline.
Comment: This variant was observed in the ICSL laboratory as part of a predisposition screen in an ostensibly healthy population. It had not been previously curated by ICSL or reported in the Human Gene Mutation Database (HGMD: prior to June 1st, 2018), and was therefore a candidate for classification through an automated scoring system. Utilizing variant allele frequency, disease prevalence and penetrance estimates, and inheritance mode, an automated score was calculated to assess if this variant is too frequent to cause the disease. Based on the score and internal cut-off values, a variant classified as benign is not then subjected to further curation. The score for this variant resulted in a classification of benign for this disease.

Illumina Laboratory Services, Illumina
Classification: Benign for Neuronopathy, distal hereditary motor, type 7B. Last evaluated: 2018-01-12. Review status: criteria provided, single submitter. Criteria: ICSL Variant Classification Criteria 13 December 2019. Collection method: clinical testing. Allele origin: germline.
Comment: the same text as in the submission from Illumina Laboratory Services, Illumina above.

NM_004082.5(DCTN1):c.*57C>T

Gene: DCTN1 (dynactin subunit 1; minus strand). Cytogenetic location: 2p13.1.
Variant type: single nucleotide variant.
Coding change: c.*57C>T on transcript NM_004082.5 (MANE Select); 57 bases downstream of the stop codon, C replaced by T.
Molecular consequence: 3 prime UTR variant. On other transcripts: non-coding transcript variant (1).
Genome position (GRCh38, 1-based): chr2:74,361,442, G>A on the plus strand (C>T on the coding strand, the complement: DCTN1 is on the minus strand). VCF-style: chr2-74361442-G-A. GRCh37 (hg19) VCF-style: chr2-74588569-G-A.
Other names: c.*57C>T (NM_001135040.3, NM_001135041.3, NM_001190836.2 and 4 more transcripts).
Identifiers: ClinVar variation 337064 (VCV000337064.5), dbSNP rs567051449, ClinGen allele CA1721324.